The following is an entry in ClinVar:

ClinVar aggregate classification (germline): Uncertain significance (1 of 4 stars; one submission).

Submission:

Labcorp Genetics (formerly Invitae), Labcorp
Classification: Uncertain significance. Last evaluated: 2022-06-18. Review status: criteria provided, single submitter. Criteria: Invitae Variant Classification Sherloc (09022015). Collection method: clinical testing. Allele origin: germline.
Comment: In summary, the available evidence is currently insufficient to determine the role of this variant in disease. Therefore, it has been classified as a Variant of Uncertain Significance. Algorithms developed to predict the effect of missense changes on protein structure and function are either unavailable or do not agree on the potential impact of this missense change (SIFT: "Tolerated"; PolyPhen-2: "Probably Damaging"; Align-GVGD: "Class C0"). This variant has not been reported in the literature in individuals affected with ADGRV1-related conditions. This variant is not present in population databases (gnomAD no frequency). This sequence change replaces proline, which is neutral and non-polar, with arginine, which is basic and polar, at codon 6087 of the ADGRV1 protein (p.Pro6087Arg).

NM_032119.4(ADGRV1):c.18260C>G (p.Pro6087Arg)

Gene: ADGRV1 (adhesion G protein-coupled receptor V1; plus strand). Cytogenetic location: 5q14.3.
Variant type: single nucleotide variant.
Coding change: c.18260C>G on transcript NM_032119.4 (MANE Select); coding-DNA position 18260, C replaced by G.
Protein change: p.Pro6087Arg; replaces proline 6087 with arginine.
Molecular consequence: missense variant. On other transcripts: non-coding transcript variant (1).
Genome position (GRCh38, 1-based): chr5:91,072,554, C>G. VCF-style: chr5-91072554-C-G. GRCh37 (hg19) VCF-style: chr5-90368371-C-G.
Other names: short protein forms P6087R.
Identifiers: ClinVar variation 2008102 (VCV002008102.4), dbSNP rs2532547499, ClinGen allele CA360431855.